The following is an entry in ClinVar:

NM_005609.4(PYGM):c.1325T>A (p.Met442Lys)

Gene: PYGM (glycogen phosphorylase, muscle associated; minus strand). Cytogenetic location: 11q13.1.
Variant type: single nucleotide variant.
Coding change: c.1325T>A on transcript NM_005609.4 (MANE Select); coding-DNA position 1325, T replaced by A.
Protein change: p.Met442Lys; replaces methionine 442 with lysine.
Molecular consequence: missense variant.
Genome position (GRCh38, 1-based): chr11:64,753,597, A>T on the plus strand (T>A on the coding strand, the complement: PYGM is on the minus strand). VCF-style: chr11-64753597-A-T. GRCh37 (hg19) VCF-style: chr11-64521069-A-T.
Other names: c.1061T>A, p.Met354Lys (NM_001164716.1); short protein forms M354K, M442K.
Identifiers: ClinVar variation 5004937 (VCV005004937.1).

ClinVar aggregate classification (germline): Uncertain significance (1 of 4 stars; one submission).

Conditions:
Glycogen storage disease, type V (GSD5). Also called: McArdle type glycogen storage disease; MCARDLE DISEASE; MUSCLE GLYCOGEN PHOSPHORYLASE DEFICIENCY; MYOPHOSPHORYLASE DEFICIENCY; PYGM DEFICIENCY. Identifiers: Orphanet 368, MedGen C0017924, MONDO:0009293, OMIM 232600.

Submission:

Myriad Genetics, Inc.
Classification: Uncertain significance for Glycogen storage disease, type V. Last evaluated: 2026-05-08. Review status: criteria provided, single submitter. Criteria: Myriad Autosomal Dominant, Autosomal Recessive and X-Linked Classification Criteria (2023). Collection method: clinical testing. Allele origin: unknown.
Comment: NM_005609.2(PYGM):c.1325T>A(M442K) is a missense variant classified as a variant of uncertain significance in the context of glycogen storage disease, PYGM-related. M442K has been observed in a case with relevant disease (PMID: 29143597). Relevant functional assessments of this variant are not available in the literature. M442K has not been observed in referenced population frequency databases. In summary, there is insufficient evidence to classify NM_005609.2(PYGM):c.1325T>A(M442K) as pathogenic or benign. Please note: this variant was assessed in the context of healthy population screening.

Literature cited by the submitters: PubMed 29143597.